The following is an entry in ClinVar:

NM_016284.5(CNOT1):c.3785T>A (p.Ile1262Asn)

Gene: CNOT1 (CCR4-NOT transcription complex subunit 1; minus strand). Cytogenetic location: 16q21.
Variant type: single nucleotide variant.
Coding change: c.3785T>A on transcript NM_016284.5 (MANE Select); coding-DNA position 3785, T replaced by A.
Protein change: p.Ile1262Asn; replaces isoleucine 1262 with asparagine.
Molecular consequence: missense variant. On other transcripts: non-coding transcript variant (1).
Genome position (GRCh38, 1-based): chr16:58,546,715, A>T on the plus strand (T>A on the coding strand, the complement: CNOT1 is on the minus strand). VCF-style: chr16-58546715-A-T. GRCh37 (hg19) VCF-style: chr16-58580619-A-T.
Other names: c.3770T>A, p.Ile1257Asn (NM_001265612.2); c.3785T>A, p.Ile1262Asn (NM_206999.3); short protein forms I1257N, I1262N.
Identifiers: ClinVar variation 1706328 (VCV001706328.3), dbSNP rs2040267848, ClinGen allele CA396171242.
Genomic context (GRCh38, chr16:58,546,715, plus strand): 5'-AGGAAGCAGTAAATTACCTTTAAGTCATGCTCCTGATGTAGCTCAGCTAATACATTCATA[A>T]TTGCCATTGTCCAAGGGTTTGGTGGCCTAAAAACCTAAAGAAAAGCTATTATGTTAAGCT-3'
Protein context (NP_057368.3, residues 1252-1272): FRPPNPWTMA[Ile1262Asn]MNVLAELHQE

ClinVar aggregate classification (germline): Uncertain significance (1 of 4 stars; one submission).

Allele frequency attached by ClinVar (database versions not stated): gnomAD 0.00001.
gnomAD v4.1: 1 of 1,613,866 alleles (0.000062%); highest among the groups gnomAD compares: African/African-American, 0.0013%; no homozygotes.

Submission:

GeneDx
Classification: Uncertain significance. Last evaluated: 2025-02-19. Review status: criteria provided, single submitter. Criteria: GeneDx Variant Classification Process June 2021. Collection method: clinical testing. Allele origin: germline.
Comment: Not observed at significant frequency in large population cohorts (gnomAD); In silico analysis supports that this missense variant has a deleterious effect on protein structure/function; Has not been previously published as pathogenic or benign to our knowledge